The following is an entry in ClinVar:

NM_007294.4(BRCA1):c.5262A>C (p.Glu1754Asp)

Gene: BRCA1 (BRCA1 DNA repair associated; minus strand). Cytogenetic location: 17q21.31.
Variant type: single nucleotide variant.
Coding change: c.5262A>C on transcript NM_007294.4 (MANE Select); coding-DNA position 5262, A replaced by C.
Protein change: p.Glu1754Asp; replaces glutamic acid 1754 with aspartic acid.
Molecular consequence: missense variant. On other transcripts: non-coding transcript variant (1).
Genome position (GRCh38, 1-based): chr17:43,057,067, T>G on the plus strand (A>C on the coding strand, the complement: BRCA1 is on the minus strand). VCF-style: chr17-43057067-T-G. GRCh37 (hg19) VCF-style: chr17-41209084-T-G.
Other names: c.5049A>C, p.Glu1683Asp (NM_001407571.1, NM_001407900.1, NM_001407902.1 and 12 more transcripts); c.5328A>C, p.Glu1776Asp (NM_001407581.1, NM_001407582.1); c.5325A>C, p.Glu1775Asp (NM_001407583.1, NM_001407585.1, NM_001407587.1 and 1 more transcripts); c.5322A>C, p.Glu1774Asp (NM_001407590.1, NM_001407591.1); c.5262A>C, p.Glu1754Asp (NM_001407593.1, NM_001407594.1, NM_001407596.1 and 7 more transcripts); c.5259A>C, p.Glu1753Asp (NM_001407610.1, NM_001407611.1, NM_001407612.1 and 17 more transcripts); c.5256A>C, p.Glu1752Asp (NM_001407629.1, NM_001407630.1, NM_001407631.1 and 14 more transcripts); c.5202A>C, p.Glu1734Asp (NM_001407649.1); and 72 more; short protein forms E1707D, E1754D, E1775D, E650D, E1457D, E1600D, E1643D, E1684D.
Identifiers: ClinVar variation 867289 (VCV000867289.3), dbSNP rs2051501825, ClinGen allele CA10591032.

Conditions:
Breast-ovarian cancer, familial, susceptibility to, 1 (BROVCA1). Also called: BRCA1 Hereditary Breast and Ovarian Cancer; OVARIAN CANCER, SUSCEPTIBILITY TO. Identifiers: Orphanet 145, MedGen C2676676, MONDO:0011450, OMIM 604370. Disease mechanism: loss of function.

Submission:

Brotman Baty Institute, University of Washington
No classification provided (evidence only). Condition: Breast-ovarian cancer, familial 1. Review status: no classification provided. Collection method: in vitro. Allele origin: not applicable. Functional consequence: functionally_normal.
ClinVar note: "not provided" was previously submitted as the classification for the variant. However, the classification appeared to be based only on an observation of functional data so it was converted to no classification on 2025-07-30.